The following is an entry in ClinVar:

NM_001377.3(DYNC2H1):c.1757T>G (p.Val586Gly)

Gene: DYNC2H1 (dynein cytoplasmic 2 heavy chain 1; plus strand). Cytogenetic location: 11q22.3.
Variant type: single nucleotide variant.
Coding change: c.1757T>G on transcript NM_001377.3 (MANE Select); coding-DNA position 1757, T replaced by G.
Protein change: p.Val586Gly; replaces valine 586 with glycine.
Molecular consequence: missense variant.
Genome position (GRCh38, 1-based): chr11:103,125,195, T>G. VCF-style: chr11-103125195-T-G. GRCh37 (hg19) VCF-style: chr11-102995924-T-G.
Other names: c.1757T>G, p.Val586Gly (NM_001080463.2); short protein forms V586G.
Identifiers: ClinVar variation 220042 (VCV000220042.15), dbSNP rs864622357, ClinGen allele CA350469.

ClinVar aggregate classification (germline): Conflicting classifications of pathogenicity. Review status: criteria provided, conflicting classifications (1 of 4 stars). 3 submissions from 3 submitters: Pathogenic (1); Likely pathogenic (1); Uncertain significance (1). Last evaluated 2025-04-20.

Conditions:
Jeune thoracic dystrophy. Also called: Short-rib thoracic dysplasia; Jeune syndrome; Infantile thoracic dystrophy; Thoracic pelvic phalangeal dystrophy; Jeune's syndrome; Chondroectodermal dysplasia-like syndrome. Identifiers: Orphanet 474, MedGen C0265275, MONDO:0018770.
Asphyxiating thoracic dystrophy 3. Also called: SHORT-RIB THORACIC DYSPLASIA 3 WITH OR WITHOUT POLYDACTYLY; POLYDACTYLY WITH NEONATAL CHONDRODYSTROPHY, TYPE I; SHORT-RIB THORACIC DYSPLASIA 3/6 WITH POLYDACTYLY, DIGENIC; Short rib polydactyly syndrome 2B; Saldino-Noonan Syndrome. Identifiers: Orphanet 474, Orphanet 93269, Orphanet 93270, Orphanet 93271, MedGen C0036069, MONDO:0013127, OMIM 613091.

Submissions (3):

Women's Health and Genetics/Laboratory Corporation of America, LabCorp
Classification: Likely pathogenic for Asphyxiating thoracic dystrophy 3. Last evaluated: 2025-04-20. Review status: criteria provided, single submitter. Criteria: LabCorp Variant Classification Summary - May 2015. Collection method: clinical testing. Allele origin: germline.
Comment: Variant summary: DYNC2H1 c.1757T>G (p.Val586Gly) results in a non-conservative amino acid change located in the Dynein heavy chain, tail domain (IPR013594) of the encoded protein sequence. A variant affecting the neighboring codon, c.1759C>T (p.Arg587Cys) has been reported to segregate with short-rib polydactyly syndrome in a single consanguineous family (PMID: 19361615), supporting a critical functional relevance of this region to DYNC2H1 function. Five of five in-silico tools predict a damaging effect of the variant on protein function. The variant was absent in 248368 control chromosomes. c.1757T>G has been observed as a biallelic genotype in at-least one individual(s) affected with Short-rib thoracic dysplasia tested at our laboratory (internal data). To our knowledge, no experimental evidence demonstrating an impact on protein function has been reported. ClinVar contains an entry for this variant (Variation ID: 220042). Based on the evidence outlined above, the variant was classified as likely pathogenic.

ARUP Laboratories, Molecular Genetics and Genomics, ARUP Laboratories
Classification: Uncertain significance. Last evaluated: 2018-04-06. Review status: criteria provided, single submitter. Criteria: ARUP Molecular Germline Variant Investigation Process. Collection method: clinical testing. Allele origin: germline.
Comment: The DYNC2H1 c.1757T>G; p.Val586Gly variant (rs864622357), to our knowledge, is not reported in the medical literature but is described as pathogenic by one laboratory in ClinVar (Variation ID: 220042). It is absent from the general population databases (1000 Genomes Project, Exome Variant Server, and Genome Aggregation Database), indicating it is not a common polymorphism. The valine at codon 586 is highly conserved and computational algorithms (SIFT, PolyPhen-2) predict this variant to be deleterious. Due to limited information regarding this variant, its clinical significance cannot be determined with certainty.

Labcorp Genetics (formerly Invitae), Labcorp
Classification: Pathogenic for Jeune thoracic dystrophy. Last evaluated: 2015-08-28. Review status: criteria provided, single submitter. Criteria: Invitae Variant Classification Sherloc (09022015). Collection method: clinical testing. Allele origin: germline.
Comment: This sequence change replaces valine with glycine at codon 586 of the DYNC2H1 protein (p.Val586Gly). The valine residue is highly conserved and there is a moderate physicochemical difference between valine and glycine. This variant has not been published in the literature and is not present in population databases. Although this c.1757T>G (p.Val586Gly) variant has not been reported in the literature, a mutation in the neighboring codon c.1759C>T (p.Arg587Cys) has been reported to segregate with short-rib polydactyly syndrome in a single consanguineous family (PMID: 19361615). The phase of the two variants were confirmed through parental testing. For these reasons, this variant has been classified as Pathogenic.

Literature cited by the submitters: PubMed 19361615 (cited by Labcorp Genetics (formerly Invitae), Labcorp).